The following is an entry in ClinVar:

NM_000260.4(MYO7A):c.6470T>G (p.Ile2157Ser)

Gene: MYO7A (myosin VIIA; plus strand). Cytogenetic location: 11q13.5.
Variant type: single nucleotide variant.
Coding change: c.6470T>G on transcript NM_000260.4 (MANE Select); coding-DNA position 6470, T replaced by G.
Protein change: p.Ile2157Ser; replaces isoleucine 2157 with serine.
Molecular consequence: missense variant.
Genome position (GRCh38, 1-based): chr11:77,213,891, T>G. VCF-style: chr11-77213891-T-G. GRCh37 (hg19) VCF-style: chr11-76924936-T-G.
Other names: c.6350T>G, p.Ile2117Ser (NM_001127180.2); c.6323T>G, p.Ile2108Ser (NM_001369365.1); short protein forms I2108S, I2117S, I2157S.
Identifiers: ClinVar variation 844125 (VCV000844125.8), dbSNP rs368744981, ClinGen allele CA6199089.
Genomic context (GRCh38, chr11:77,213,891, plus strand): 5'-GCCTCTCTATGCCCTTTCTGCTCCCCCAGGATATCCTCACCACTCATCCCTTCACCAAGA[T>G]CTCCAACTGGAGCAGCGGCAACACCTACTTCCACATCACCATTGGGAACTTGGTGCGCGG-3'
Protein context (NP_000251.3, residues 2147-2167): DILTTHPFTK[Ile2157Ser]SNWSSGNTYF

ClinVar aggregate classification (germline): Uncertain significance. Review status: criteria provided, multiple submitters, no conflicts (2 of 4 stars). 2 submissions from 2 submitters: Uncertain significance (2). Last evaluated 2022-09-06.

Allele frequency attached by ClinVar (database versions not stated): gnomAD exomes below 0.00001; gnomAD 0.00002; TOPMed 0.00004; ESP Exome Variant Server 0.00008.
gnomAD v4.1: 4 of 1,613,920 alleles (0.00025%); highest among the groups gnomAD compares: African/African-American, 0.0053%; no homozygotes.

Submissions (2):

Blueprint Genetics
Classification: Uncertain significance. Last evaluated: 2022-09-06. Review status: criteria provided, single submitter. Criteria: ACMG Guidelines, 2015. Collection method: clinical testing. Allele origin: germline.

Labcorp Genetics (formerly Invitae), Labcorp
Classification: Uncertain significance. Last evaluated: 2020-08-04. Review status: criteria provided, single submitter. Criteria: Invitae Variant Classification Sherloc (09022015). Collection method: clinical testing. Allele origin: germline.
Comment: This variant is present in population databases (rs368744981, ExAC 0.01%). This variant has not been reported in the literature in individuals with MYO7A-related conditions. This sequence change replaces isoleucine with serine at codon 2157 of the MYO7A protein (p.Ile2157Ser). The isoleucine residue is highly conserved and there is a large physicochemical difference between isoleucine and serine. Algorithms developed to predict the effect of missense changes on protein structure and function are either unavailable or do not agree on the potential impact of this missense change (SIFT: "Deleterious"; PolyPhen-2: "Possibly Damaging"; Align-GVGD: "Class C0"). In summary, the available evidence is currently insufficient to determine the role of this variant in disease. Therefore, it has been classified as a Variant of Uncertain Significance.